The following is an entry in ClinVar:

NM_001271938.2(MEGF8):c.2321C>T (p.Ala774Val)

Gene: MEGF8 (multiple EGF like domains 8; plus strand). Cytogenetic location: 19q13.2.
Variant type: single nucleotide variant.
Coding change: c.2321C>T on transcript NM_001271938.2 (MANE Select); coding-DNA position 2321, C replaced by T.
Protein change: p.Ala774Val; replaces alanine 774 with valine.
Molecular consequence: missense variant.
Genome position (GRCh38, 1-based): chr19:42,349,521, C>T. VCF-style: chr19-42349521-C-T. GRCh37 (hg19) VCF-style: chr19-42853673-C-T.
Other names: c.2120C>T, p.Ala707Val (NM_001410.3); short protein forms A774V, A707V.
Identifiers: ClinVar variation 1998201 (VCV001998201.4), dbSNP rs2514286794, ClinGen allele CA406095933.

ClinVar aggregate classification (germline): Uncertain significance (1 of 4 stars; one submission).

Conditions:
MEGF8-related Carpenter syndrome. Also called: Carpenter syndrome 2. Identifiers: Orphanet 65759, MedGen C3554247, MONDO:0013998, OMIM 614976.

Submission:

Labcorp Genetics (formerly Invitae), Labcorp
Classification: Uncertain significance for MEGF8-related Carpenter syndrome. Last evaluated: 2022-05-24. Review status: criteria provided, single submitter. Criteria: Invitae Variant Classification Sherloc (09022015). Collection method: clinical testing. Allele origin: germline.
Comment: In summary, the available evidence is currently insufficient to determine the role of this variant in disease. Therefore, it has been classified as a Variant of Uncertain Significance. Algorithms developed to predict the effect of missense changes on protein structure and function are either unavailable or do not agree on the potential impact of this missense change (SIFT: "Deleterious"; PolyPhen-2: "Benign"; Align-GVGD: "Class C0"). This variant has not been reported in the literature in individuals affected with MEGF8-related conditions. This variant is not present in population databases (gnomAD no frequency). This sequence change replaces alanine, which is neutral and non-polar, with valine, which is neutral and non-polar, at codon 707 of the MEGF8 protein (p.Ala707Val).